The following is an entry in ClinVar:

NM_000051.4(ATM):c.777T>A (p.Leu259=)

Gene: ATM (ATM serine/threonine kinase; plus strand). Cytogenetic location: 11q22.3.
Variant type: single nucleotide variant.
Coding change: c.777T>A on transcript NM_000051.4 (MANE Select); coding-DNA position 777, T replaced by A.
Protein change: p.Leu259=; no amino-acid change (leucine 259 retained).
Molecular consequence: synonymous variant.
Genome position (GRCh38, 1-based): chr11:108,244,902, T>A. VCF-style: chr11-108244902-T-A. GRCh37 (hg19) VCF-style: chr11-108115629-T-A.
Other names: c.777T>A, p.Leu259= (NM_001351834.2).
Identifiers: ClinVar variation 2055652 (VCV002055652.5), dbSNP rs2135240556, ClinGen allele CA476744727.

ClinVar aggregate classification (germline): Benign/Likely benign. Review status: criteria provided, multiple submitters, no conflicts (2 of 4 stars). 2 submissions from 2 submitters: Benign (1); Likely benign (1). Last evaluated 2024-04-23.

Conditions:
Ataxia-telangiectasia syndrome (AT). Also called: ATAXIA-TELANGIECTASIA, COMPLEMENTATION GROUP A; ATAXIA-TELANGIECTASIA, FRESNO VARIANT; Ataxia-telangiectasia; Ataxia telangiectasia (A-T); Ataxia-telangiectasia, complementation group E; Cerebello-oculocutaneous telangiectasia. Identifiers: Orphanet 100, MedGen C0004135, MONDO:0008840, OMIM 208900.
Familial cancer of breast. Also called: Hereditary breast cancer; hereditary breast carcinoma; BREAST CANCER, FAMILIAL. Identifiers: Orphanet 227535, MedGen C0346153, MONDO:0016419, OMIM 114480. Disease mechanism: loss of function.

Allele frequency attached by ClinVar (database versions not stated): gnomAD exomes below 0.00001.
gnomAD v4.1: 1 of 1,613,824 alleles (0.000062%); highest among the groups gnomAD compares: East Asian, 0.0022%; no homozygotes.

Submissions (2):

Myriad Genetics, Inc.
Classification: Benign for Familial cancer of breast. Last evaluated: 2024-04-23. Review status: criteria provided, single submitter. Criteria: Myriad Autosomal Dominant, Autosomal Recessive and X-Linked Classification Criteria (2023). Collection method: clinical testing. Allele origin: unknown.
Comment: This variant is considered benign. This variant is a silent/synonymous amino acid change and it is not expected to impact splicing.

Labcorp Genetics (formerly Invitae), Labcorp
Classification: Likely benign for Ataxia-telangiectasia syndrome. Last evaluated: 2022-05-14. Review status: criteria provided, single submitter. Criteria: Invitae Variant Classification Sherloc (09022015). Collection method: clinical testing. Allele origin: germline.